The following is an entry in ClinVar:

ClinVar aggregate classification (germline): Conflicting classifications of pathogenicity. Review status: criteria provided, conflicting classifications (1 of 4 stars). 3 submissions from 3 submitters: Uncertain significance (2); Likely benign (1). Last evaluated 2026-06-24.

Conditions:
Inborn genetic diseases. Identifiers: MedGen C0950123, MeSH D030342.
Cornelia de Lange syndrome 1 (CDLS1). Also called: TYPUS DEGENERATIVUS AMSTELODAMENSIS; Brachmann de Lange syndrome; NIPBL-Related Cornelia de Lange Syndrome. Identifiers: Orphanet 199, MedGen C4551851, MONDO:0007387, OMIM 122470.

Allele frequency attached by ClinVar (database versions not stated): ExAC 0.00002; gnomAD exomes 0.00001; TOPMed 0.00001; gnomAD 0.00002; ESP Exome Variant Server 0.00008.
gnomAD v4.1: 25 of 1,614,082 alleles (0.0015%); highest among the groups gnomAD compares: Admixed American, 0.0067%; no homozygotes.

Submissions (3):

Ambry Genetics
Classification: Likely benign for Inborn genetic diseases. Last evaluated: 2026-06-24. Review status: criteria provided, single submitter. Criteria: Ambry Variant Classification Scheme 2023. Collection method: clinical testing. Allele origin: germline.

Labcorp Genetics (formerly Invitae), Labcorp
Classification: Uncertain significance for Cornelia de Lange syndrome 1. Last evaluated: 2024-10-17. Review status: criteria provided, single submitter. Criteria: Invitae Variant Classification Sherloc (09022015). Collection method: clinical testing. Allele origin: germline.
Comment: This sequence change replaces asparagine, which is neutral and polar, with serine, which is neutral and polar, at codon 2529 of the NIPBL protein (p.Asn2529Ser). This variant is present in population databases (rs375928290, gnomAD 0.009%). This variant has not been reported in the literature in individuals affected with NIPBL-related conditions. ClinVar contains an entry for this variant (Variation ID: 2057646). Invitae Evidence Modeling of protein sequence and biophysical properties (such as structural, functional, and spatial information, amino acid conservation, physicochemical variation, residue mobility, and thermodynamic stability) has been performed for this missense variant. However, the output from this modeling did not meet the statistical confidence thresholds required to predict the impact of this variant on NIPBL protein function. In summary, the available evidence is currently insufficient to determine the role of this variant in disease. Therefore, it has been classified as a Variant of Uncertain Significance.

Fulgent Genetics
Classification: Uncertain significance for Cornelia de Lange syndrome 1. Last evaluated: 2024-06-10. Review status: criteria provided, single submitter. Criteria: ACMG Guidelines, 2015. Collection method: clinical testing. Allele origin: germline.

NM_133433.4(NIPBL):c.7586A>G (p.Asn2529Ser)

Gene: NIPBL (NIPBL cohesin loading factor; plus strand). Cytogenetic location: 5p13.2.
Variant type: single nucleotide variant.
Coding change: c.7586A>G on transcript NM_133433.4 (MANE Select); coding-DNA position 7586, A replaced by G.
Protein change: p.Asn2529Ser; replaces asparagine 2529 with serine.
Molecular consequence: missense variant.
Genome position (GRCh38, 1-based): chr5:37,059,066, A>G. VCF-style: chr5-37059066-A-G. GRCh37 (hg19) VCF-style: chr5-37059168-A-G.
Other names: c.7586A>G, p.Asn2529Ser (NM_015384.5); c.7586A>G (NM_133433.3); short protein forms N2529S.
Identifiers: ClinVar variation 2057646 (VCV002057646.5), dbSNP rs375928290, ClinGen allele CA3237233.